The following is an entry in ClinVar:

ClinVar aggregate classification (germline): Uncertain significance (1 of 4 stars; one submission).

Conditions:
Autosomal dominant thrombocytopenia.

Submission:

Laboratorio de Genetica e Diagnostico Molecular, Hospital Israelita Albert Einstein
Classification: Uncertain significance for Autosomal dominant thrombocytopenia. Last evaluated: 2021-11-16. Review status: criteria provided, single submitter. Criteria: ACMG Guidelines, 2015. Collection method: clinical testing. Allele origin: germline. Affected: yes.
Comment: ACMG classification criteria: PM2 moderate, BP4 supporting

NM_001172303.3(MASTL):c.2033T>C (p.Leu678Ser)

Gene: MASTL (microtubule associated serine/threonine kinase like; plus strand). Cytogenetic location: 10p12.1.
Variant type: single nucleotide variant.
Coding change: c.2033T>C on transcript NM_001172303.3 (MANE Select); coding-DNA position 2033, T replaced by C.
Protein change: p.Leu678Ser; replaces leucine 678 with serine.
Molecular consequence: missense variant. On other transcripts: non-coding transcript variant (1).
Genome position (GRCh38, 1-based): chr10:27,170,992, T>C. VCF-style: chr10-27170992-T-C. GRCh37 (hg19) VCF-style: chr10-27459921-T-C.
Other names: c.2033T>C, p.Leu678Ser (NM_001172304.3, NM_001320756.2, NM_001320757.2 and 1 more transcripts); c.1550T>C, p.Leu517Ser (NM_001372029.1, NM_001372030.1); short protein forms L517S, L678S.
Identifiers: ClinVar variation 1683730 (VCV001683730.2), dbSNP rs1239580692, ClinGen allele CA376387745.